The following is an entry in ClinVar:

ClinVar aggregate classification (germline): Likely benign. Review status: criteria provided, multiple submitters, no conflicts (2 of 4 stars). 2 submissions from 2 submitters: Likely benign (2). Last evaluated 2025-05-01.

Allele frequency attached by ClinVar (database versions not stated): gnomAD 0.00001; gnomAD exomes 0.00001; TOPMed 0.00001.
gnomAD v4.1: 8 of 1,613,284 alleles (0.0005%); highest among the groups gnomAD compares: South Asian, 0.0011%; no homozygotes.

Submissions (2):

CeGaT Center for Human Genetics Tuebingen
Classification: Likely benign. Last evaluated: 2025-05-01. Review status: criteria provided, single submitter. Criteria: CeGaT Center For Human Genetics Tuebingen Variant Classification Criteria Version 2. Collection method: clinical testing. Allele origin: germline. Affected: yes. Observed: 1 variant allele.
Comment: AHDC1: BP4, BP7

Labcorp Genetics (formerly Invitae), Labcorp
Classification: Likely benign. Last evaluated: 2022-06-29. Review status: criteria provided, single submitter. Criteria: Invitae Variant Classification Sherloc (09022015). Collection method: clinical testing. Allele origin: germline.

NM_001371928.1(AHDC1):c.3420C>T (p.Asn1140=)

Gene: AHDC1 (AT-hook DNA binding motif containing 1; minus strand). Cytogenetic location: 1p36.11.
Variant type: single nucleotide variant.
Coding change: c.3420C>T on transcript NM_001371928.1 (MANE Select); coding-DNA position 3420, C replaced by T.
Protein change: p.Asn1140=; no amino-acid change (asparagine 1140 retained).
Molecular consequence: synonymous variant.
Genome position (GRCh38, 1-based): chr1:27,548,696, G>A on the plus strand (C>T on the coding strand, the complement: AHDC1 is on the minus strand). VCF-style: chr1-27548696-G-A. GRCh37 (hg19) VCF-style: chr1-27875207-G-A.
Other names: c.3420C>T, p.Asn1140= (NM_001029882.3); c.-624C>T (NM_015699.1).
Identifiers: ClinVar variation 1918745 (VCV001918745.15), dbSNP rs1391727575, ClinGen allele CA416977754.
Genomic context (GRCh38, chr1:27,548,696, plus strand): 5'-CGACACAGCCGTCTGCTGCTTCACCTTCTGCGGTGTGTAGTTGGAGATGTCCAGGATCAC[G>A]TTGGGCTCGCTGACGTGGCAGTCAAAACTGGGATTGTAGAGCTGACTAAAGGCCTCTGAG-3'
Protein context (NP_001358857.1, residues 1130-1150): PSFDCHVSEP[Asn1140=]VILDISNYTP